The following is an entry in ClinVar:

NM_002439.5(MSH3):c.2073A>C (p.Glu691Asp)

Gene: MSH3 (mutS homolog 3; plus strand). Cytogenetic location: 5q14.1.
Variant type: single nucleotide variant.
Coding change: c.2073A>C on transcript NM_002439.5 (MANE Select); coding-DNA position 2073, A replaced by C.
Protein change: p.Glu691Asp; replaces glutamic acid 691 with aspartic acid.
Molecular consequence: missense variant.
Genome position (GRCh38, 1-based): chr5:80,768,109, A>C. VCF-style: chr5-80768109-A-C. GRCh37 (hg19) VCF-style: chr5-80063928-A-C.
Other names: c.2073A>C (NM_002439.3); short protein forms E691D.
Identifiers: ClinVar variation 2112964 (VCV002112964.6), dbSNP rs2546773755, ClinGen allele CA360277974.

ClinVar aggregate classification (germline): Uncertain significance. Review status: criteria provided, multiple submitters, no conflicts (2 of 4 stars). 3 submissions from 3 submitters: Uncertain significance (3). Last evaluated 2025-10-19.

Conditions:
Hereditary cancer-predisposing syndrome. Also called: Neoplastic Syndromes, Hereditary; Tumor predisposition; Hereditary Cancer Syndrome; Hereditary neoplastic syndrome. Identifiers: Orphanet 140162, MedGen C0027672, MeSH D009386, MONDO:0015356.
Endometrial carcinoma. Also called: Endometrial carcinoma, somatic. Identifiers: MedGen C0476089, MONDO:0002447, OMIM 608089, HP:0012114.

Submissions (3):

Ambry Genetics
Classification: Uncertain significance for Hereditary cancer-predisposing syndrome. Last evaluated: 2025-10-19. Review status: criteria provided, single submitter. Criteria: Ambry Variant Classification Scheme 2023. Collection method: clinical testing. Allele origin: germline.
Comment: The p.E691D variant (also known as c.2073A>C), located in coding exon 14 of the MSH3 gene, results from an A to C substitution at nucleotide position 2073. The glutamic acid at codon 691 is replaced by aspartic acid, an amino acid with highly similar properties. This amino acid position is conserved. In addition, the in silico prediction for this alteration is inconclusive. Based on the available evidence, the clinical significance of this variant remains unclear.

Labcorp Genetics (formerly Invitae), Labcorp
Classification: Uncertain significance. Last evaluated: 2025-08-20. Review status: criteria provided, single submitter. Criteria: Invitae Variant Classification Sherloc (09022015). Collection method: clinical testing. Allele origin: germline.
Comment: This sequence change replaces glutamic acid, which is acidic and polar, with aspartic acid, which is acidic and polar, at codon 691 of the MSH3 protein (p.Glu691Asp). This variant is not present in population databases (gnomAD no frequency). This variant has not been reported in the literature in individuals affected with MSH3-related conditions. ClinVar contains an entry for this variant (Variation ID: 2112964). An algorithm developed to predict the effect of missense changes on protein structure and function (PolyPhen-2) suggests that this variant is likely to be disruptive. In summary, the available evidence is currently insufficient to determine the role of this variant in disease. Therefore, it has been classified as a Variant of Uncertain Significance.

Baylor Genetics
Classification: Uncertain significance for Endometrial carcinoma. Last evaluated: 2024-03-13. Review status: criteria provided, single submitter. Criteria: ACMG Guidelines, 2015. Collection method: clinical testing. Allele origin: unknown.